The following is an entry in ClinVar:

ClinVar aggregate classification (germline): Uncertain significance. Review status: criteria provided, multiple submitters, no conflicts (2 of 4 stars). 2 submissions from 2 submitters: Uncertain significance (2). Last evaluated 2024-11-10.

Conditions:
Inborn genetic diseases. Identifiers: MedGen C0950123, MeSH D030342.

gnomAD v4.1: 7 of 1,614,060 alleles (0.00043%); highest among the groups gnomAD compares: Admixed American, 0.0017%; no homozygotes.

Submissions (2):

Ambry Genetics
Classification: Uncertain significance for Inborn genetic diseases. Last evaluated: 2024-11-10. Review status: criteria provided, single submitter. Criteria: Ambry Variant Classification Scheme 2023. Collection method: clinical testing. Allele origin: germline.

Labcorp Genetics (formerly Invitae), Labcorp
Classification: Uncertain significance. Last evaluated: 2024-06-22. Review status: criteria provided, single submitter. Criteria: Invitae Variant Classification Sherloc (09022015). Collection method: clinical testing. Allele origin: germline.
Comment: This sequence change replaces threonine, which is neutral and polar, with isoleucine, which is neutral and non-polar, at codon 1466 of the C2CD3 protein (p.Thr1466Ile). This variant is present in population databases (no rsID available, gnomAD 0.003%). This variant has not been reported in the literature in individuals affected with C2CD3-related conditions. Advanced modeling of protein sequence and biophysical properties (such as structural, functional, and spatial information, amino acid conservation, physicochemical variation, residue mobility, and thermodynamic stability) performed at Invitae indicates that this missense variant is not expected to disrupt C2CD3 protein function with a negative predictive value of 80%. In summary, the available evidence is currently insufficient to determine the role of this variant in disease. Therefore, it has been classified as a Variant of Uncertain Significance.

NM_001286577.2(C2CD3):c.4397C>T (p.Thr1466Ile)

Gene: C2CD3 (C2 domain containing 3 centriole elongation regulator; minus strand). Cytogenetic location: 11q13.4.
Variant type: single nucleotide variant.
Coding change: c.4397C>T on transcript NM_001286577.2 (MANE Select); coding-DNA position 4397, C replaced by T.
Protein change: p.Thr1466Ile; replaces threonine 1466 with isoleucine.
Molecular consequence: missense variant.
Genome position (GRCh38, 1-based): chr11:74,078,321, G>A on the plus strand (C>T on the coding strand, the complement: C2CD3 is on the minus strand). VCF-style: chr11-74078321-G-A. GRCh37 (hg19) VCF-style: chr11-73789366-G-A.
Other names: c.4397C>T, p.Thr1466Ile (NM_015531.6); short protein forms T1466I.
Identifiers: ClinVar variation 3483519 (VCV003483519.3).